The following is an entry in ClinVar:

NM_002637.4(PHKA1):c.3043C>T (p.Arg1015Cys)

Gene: PHKA1 (phosphorylase kinase regulatory subunit alpha 1; minus strand). Cytogenetic location: Xq13.1.
Variant type: single nucleotide variant.
Coding change: c.3043C>T on transcript NM_002637.4 (MANE Select); coding-DNA position 3043, C replaced by T.
Protein change: p.Arg1015Cys; replaces arginine 1015 with cysteine.
Molecular consequence: missense variant. On other transcripts: intron variant (2).
Genome position (GRCh38, 1-based): chrX:72,602,020, G>A on the plus strand (C>T on the coding strand, the complement: PHKA1 is on the minus strand). VCF-style: chrX-72602020-G-A. GRCh37 (hg19) VCF-style: chrX-71821870-G-A.
Other names: c.2856+138C>T (NM_001172436.2); c.3033+138C>T (NM_001122670.2); short protein forms R1015C.
Identifiers: ClinVar variation 386748 (VCV000386748.19), dbSNP rs782191011, ClinGen allele CA10450570.

ClinVar aggregate classification (germline): Conflicting classifications of pathogenicity. Review status: criteria provided, conflicting classifications (1 of 4 stars). 5 submissions from 5 submitters: Uncertain significance (2); Likely benign (2). 1 of the submissions does not count toward it. Last evaluated 2025-08-01.

Conditions:
Glycogen storage disease IXd (GSD9D). Also called: Muscle Phosphorylase Kinase Deficiency; GSD IXd. Identifiers: Orphanet 715, MedGen C1845151, MONDO:0010362, OMIM 300559.

Allele frequency attached by ClinVar (database versions not stated): TOPMed below 0.00001; gnomAD 0.00001 and 0.00002; gnomAD exomes 0.00006; ExAC 0.00008.
gnomAD v4.1: 61 of 1,195,997 alleles (0.0051%); highest among the groups gnomAD compares: Middle Eastern, 0.14%; no homozygotes.

Submissions (5):

CeGaT Center for Human Genetics Tuebingen
Classification: Likely benign. Last evaluated: 2025-08-01. Review status: criteria provided, single submitter. Criteria: CeGaT Center For Human Genetics Tuebingen Variant Classification Criteria Version 2. Collection method: clinical testing. Allele origin: germline. Affected: yes. Observed: 1 variant allele.
Comment: PHKA1: BS2

Labcorp Genetics (formerly Invitae), Labcorp
Classification: Uncertain significance for Glycogen storage disease IXd. Last evaluated: 2024-09-18. Review status: criteria provided, single submitter. Criteria: Invitae Variant Classification Sherloc (09022015). Collection method: clinical testing. Allele origin: germline.
Comment: This sequence change replaces arginine, which is basic and polar, with cysteine, which is neutral and slightly polar, at codon 1015 of the PHKA1 protein (p.Arg1015Cys). This variant is present in population databases (rs782191011, gnomAD 0.04%), and has an allele count higher than expected for a pathogenic variant. This variant has not been reported in the literature in individuals affected with PHKA1-related conditions. ClinVar contains an entry for this variant (Variation ID: 386748). An algorithm developed to predict the effect of missense changes on protein structure and function (PolyPhen-2) suggests that this variant¬†is likely to be tolerated. Algorithms developed to predict the effect of sequence changes on RNA splicing suggest that this variant may disrupt the consensus splice site. In summary, the available evidence is currently insufficient to determine the role of this variant in disease. Therefore, it has been classified as a Variant of Uncertain Significance.

Mayo Clinic Laboratories, Mayo Clinic
Classification: Uncertain significance. Last evaluated: 2019-04-29. Review status: criteria provided, single submitter. Criteria: ACMG Guidelines, 2015. Collection method: clinical testing. Allele origin: germline. Observed: 1 variant allele.

GeneDx
Classification: Likely benign. Last evaluated: 2016-06-20. Review status: criteria provided, single submitter. Criteria: GeneDx Variant Classification (06012015). Collection method: clinical testing. Allele origin: germline. Affected: yes.
Comment: This variant is considered likely benign or benign based on one or more of the following criteria: it is a conservative change, it occurs at a poorly conserved position in the protein, it is predicted to be benign by multiple in silico algorithms, and/or has population frequency not consistent with disease.

Department of Pathology and Laboratory Medicine, Sinai Health System
Classification: Uncertain significance. Review status: no assertion criteria provided. Collection method: clinical testing. Allele origin: unknown. Affected: yes. Study: The Canadian Open Genetics Repository (COGR). Not counted in ClinVar's aggregate classification.
Comment: The PHKA1 p.Arg1015Cys variant was not identified in the literature nor was it identified in LOVD 3.0. The variant was identified in dbSNP (ID: rs782191011), ClinVar (classified as likely benign by GeneDx and Mayo Clinic Genetic Testing Laboratories), Cosmic (FATHMM prediction of pathogenic; score 0.78). The variant was also identified in control databases in 11 of 176599 chromosomes at a frequency of 0.000062 (Genome Aggregation Database Feb 27, 2017) and was observed in the following populations: South Asian in 7 of 17879 chromosomes (freq: 0.000392), East Asian in 1 of 13487 chromosomes (freq: 0.000074) and European (non-Finnish) in 3 of 77980 chromosomes (freq: 0.000038), while the variant was not observed in the African, Latino, Ashkenazi Jewish, European (Finnish) and Other populations. The variant occurs outside of the splicing consensus sequence and 3 of 4 in silico or computational prediction software programs (MaxEntScan, NNSPLICE, GeneSplicer) do not predict a difference in splicing. The p.Arg1015 residue is conserved across mammals and other organisms, and 4 out of 5 computational analyses (PolyPhen-2, SIFT, BLOSUM, MutationTaster) suggest that the R variant may impact the protein; however, this information is not predictive enough to assume pathogenicity. In summary, based on the above information the clinical significance of this variant cannot be determined with certainty at this time. This variant is classified as a variant of uncertain significance.